The following is an entry in ClinVar:

ClinVar aggregate classification (germline): Uncertain significance. Review status: criteria provided, multiple submitters, no conflicts (2 of 4 stars). 4 submissions from 4 submitters: Uncertain significance (4). Last evaluated 2026-05-31.

Conditions:
TOPORS-related disorder. Also called: TOPORS-related condition.
Inborn genetic diseases. Identifiers: MedGen C0950123, MeSH D030342.

Allele frequency attached by ClinVar (database versions not stated): gnomAD 0.00001; gnomAD exomes 0.00001; ExAC 0.00002; TOPMed 0.00003.

Submissions (4):

PreventionGenetics, part of Exact Sciences
Classification: Uncertain significance for TOPORS-related condition. Last evaluated: 2026-05-31. Review status: criteria provided, single submitter. Criteria: ACMG Guidelines, 2015. Collection method: clinical testing. Allele origin: germline.
Comment: The TOPORS c.535C>T variant is predicted to result in the amino acid substitution p.Arg179Cys. To our knowledge, this variant has not been reported in the literature. This variant is reported in 0.0018% of alleles in individuals of European (Non-Finnish) descent in gnomAD. At this time, the clinical significance of this variant is uncertain due to the absence of conclusive functional and genetic evidence.

Labcorp Genetics (formerly Invitae), Labcorp
Classification: Uncertain significance. Last evaluated: 2024-12-02. Review status: criteria provided, single submitter. Criteria: Invitae Variant Classification Sherloc (09022015). Collection method: clinical testing. Allele origin: germline.
Comment: This sequence change replaces arginine, which is basic and polar, with cysteine, which is neutral and slightly polar, at codon 179 of the TOPORS protein (p.Arg179Cys). This variant is present in population databases (rs779292250, gnomAD 0.002%). This variant has not been reported in the literature in individuals affected with TOPORS-related conditions. ClinVar contains an entry for this variant (Variation ID: 1415728). An algorithm developed to predict the effect of missense changes on protein structure and function (PolyPhen-2) suggests that this variant is likely to be disruptive. In summary, the available evidence is currently insufficient to determine the role of this variant in disease. Therefore, it has been classified as a Variant of Uncertain Significance.

Ambry Genetics
Classification: Uncertain significance for Inborn genetic diseases. Last evaluated: 2024-07-02. Review status: criteria provided, single submitter. Criteria: Ambry Variant Classification Scheme 2023. Collection method: clinical testing. Allele origin: germline.

Blueprint Genetics
Classification: Uncertain significance. Last evaluated: 2024-04-05. Review status: criteria provided, single submitter. Criteria: ACMG Guidelines, 2015. Collection method: clinical testing. Allele origin: germline.

NM_005802.5(TOPORS):c.535C>T (p.Arg179Cys)

Gene: TOPORS (TOP1 binding arginine/serine rich protein, E3 ubiquitin ligase; minus strand). Cytogenetic location: 9p21.1.
Variant type: single nucleotide variant.
Coding change: c.535C>T on transcript NM_005802.5 (MANE Select); coding-DNA position 535, C replaced by T.
Protein change: p.Arg179Cys; replaces arginine 179 with cysteine.
Molecular consequence: missense variant.
Genome position (GRCh38, 1-based): chr9:32,543,990, G>A on the plus strand (C>T on the coding strand, the complement: TOPORS is on the minus strand). VCF-style: chr9-32543990-G-A. GRCh37 (hg19) VCF-style: chr9-32543988-G-A.
Other names: c.340C>T, p.Arg114Cys (NM_001195622.2); c.535C>T (NM_005802.4); short protein forms R114C, R179C.
Identifiers: ClinVar variation 1415728 (VCV001415728.11), dbSNP rs779292250, ClinGen allele CA5020634.